The following is an entry in ClinVar:

ClinVar aggregate classification (germline): Conflicting classifications of pathogenicity. Review status: criteria provided, conflicting classifications (1 of 4 stars). 2 submissions from 2 submitters: Uncertain significance (1); Likely benign (1). Last evaluated 2024-07-19.

Conditions:
Hajdu-Cheney syndrome (HJCYS). Also called: ACROOSTEOLYSIS WITH OSTEOPOROSIS AND CHANGES IN SKULL AND MANDIBLE; SERPENTINE FIBULA-POLYCYSTIC KIDNEY SYNDROME; Acroosteolysis dominant type. Identifiers: Orphanet 955, MedGen C0917715, MONDO:0007057, OMIM 102500.

Allele frequency attached by ClinVar (database versions not stated): gnomAD exomes below 0.00001; TOPMed below 0.00001; gnomAD 0.00002.
gnomAD v4.1: 5 of 1,613,816 alleles (0.00031%); highest among the groups gnomAD compares: Non-Finnish European, 0.00042%; no homozygotes.

Submissions (2):

Labcorp Genetics (formerly Invitae), Labcorp
Classification: Uncertain significance for Hajdu-Cheney syndrome. Last evaluated: 2024-07-19. Review status: criteria provided, single submitter. Criteria: Invitae Variant Classification Sherloc (09022015). Collection method: clinical testing. Allele origin: germline.
Comment: This sequence change replaces isoleucine, which is neutral and non-polar, with valine, which is neutral and non-polar, at codon 531 of the NOTCH2 protein (p.Ile531Val). This variant is present in population databases (no rsID available, gnomAD 0.01%). This variant has not been reported in the literature in individuals affected with NOTCH2-related conditions. Advanced modeling of protein sequence and biophysical properties (such as structural, functional, and spatial information, amino acid conservation, physicochemical variation, residue mobility, and thermodynamic stability) performed at Invitae indicates that this missense variant is not expected to disrupt NOTCH2 protein function with a negative predictive value of 80%. In summary, the available evidence is currently insufficient to determine the role of this variant in disease. Therefore, it has been classified as a Variant of Uncertain Significance.

Blueprint Genetics
Classification: Likely benign. Last evaluated: 2020-06-30. Review status: criteria provided, single submitter. Criteria: ACMG Guidelines, 2015. Collection method: clinical testing. Allele origin: germline.

NM_024408.4(NOTCH2):c.1591A>G (p.Ile531Val)

Gene: NOTCH2 (notch receptor 2; minus strand). Cytogenetic location: 1p12.
Variant type: single nucleotide variant.
Coding change: c.1591A>G on transcript NM_024408.4 (MANE Select); coding-DNA position 1591, A replaced by G.
Protein change: p.Ile531Val; replaces isoleucine 531 with valine.
Molecular consequence: missense variant.
Genome position (GRCh38, 1-based): chr1:119,965,543, T>C on the plus strand (A>G on the coding strand, the complement: NOTCH2 is on the minus strand). VCF-style: chr1-119965543-T-C. GRCh37 (hg19) VCF-style: chr1-120508166-T-C.
Other names: c.1591A>G, p.Ile531Val (NM_001200001.2); short protein forms I531V.
Identifiers: ClinVar variation 2908304 (VCV002908304.4), dbSNP rs1333445187, ClinGen allele CA341875563.